The following is an entry in ClinVar:

ClinVar aggregate classification (germline): Conflicting classifications of pathogenicity. Review status: criteria provided, conflicting classifications (1 of 4 stars). 4 submissions from 4 submitters: Uncertain significance (1); Likely benign (2). 1 of the submissions does not count toward it. Last evaluated 2026-03-01.

Conditions:
SEMA5A-related disorder. Also called: SEMA5A-related condition.

Allele frequency attached by ClinVar (database versions not stated): TOPMed 0.00052; gnomAD 0.00057; ExAC 0.00068; ESP Exome Variant Server 0.00077; 1000 Genomes Project 0.00140; 1000 Genomes Project 30x 0.00156.
gnomAD v4.1: 740 of 1,614,034 alleles (0.046%); highest among the groups gnomAD compares: African/African-American, 0.1%; 1 homozygote.

Submissions (4):

CeGaT Center for Human Genetics Tuebingen
Classification: Likely benign. Last evaluated: 2026-03-01. Review status: criteria provided, single submitter. Criteria: CeGaT Center For Human Genetics Tuebingen Variant Classification Criteria Version 2. Collection method: clinical testing. Allele origin: germline. Affected: yes. Observed: 1 variant allele.
Comment: SEMA5A: BP4

Ambry Genetics
Classification: Uncertain significance. Last evaluated: 2025-08-04. Review status: criteria provided, single submitter. Criteria: Ambry Variant Classification Scheme 2023. Collection method: clinical testing. Allele origin: germline.

Labcorp Genetics (formerly Invitae), Labcorp
Classification: Likely benign. Last evaluated: 2019-12-31. Review status: criteria provided, single submitter. Criteria: Invitae Variant Classification Sherloc (09022015). Collection method: clinical testing. Allele origin: germline.

PreventionGenetics, part of Exact Sciences
Classification: Benign for SEMA5A-related condition. Last evaluated: 2019-08-28. Review status: no assertion criteria provided. Collection method: clinical testing. Allele origin: germline. Not counted in ClinVar's aggregate classification.
Comment: This variant is classified as benign based on ACMG/AMP sequence variant interpretation guidelines (Richards et al. 2015 PMID: 25741868, with internal and published modifications).

NM_003966.3(SEMA5A):c.2575G>A (p.Gly859Ser)

Gene: SEMA5A (semaphorin 5A; minus strand). Cytogenetic location: 5p15.31.
Variant type: single nucleotide variant.
Coding change: c.2575G>A on transcript NM_003966.3 (MANE Select); coding-DNA position 2575, G replaced by A.
Protein change: p.Gly859Ser; replaces glycine 859 with serine.
Molecular consequence: missense variant.
Genome position (GRCh38, 1-based): chr5:9,054,201, C>T on the plus strand (G>A on the coding strand, the complement: SEMA5A is on the minus strand). VCF-style: chr5-9054201-C-T. GRCh37 (hg19) VCF-style: chr5-9054313-C-T.
Other names: short protein forms G859S.
Identifiers: ClinVar variation 713458 (VCV000713458.11), dbSNP rs146447120, ClinGen allele CA3196407.